The following is an entry in ClinVar:

ClinVar aggregate classification (germline): Benign. Review status: criteria provided, multiple submitters, no conflicts (2 of 4 stars). 3 submissions from 3 submitters: Benign (3). Last evaluated 2020-04-09.

Conditions:
Osteopetrosis with renal tubular acidosis (OPTB3). Also called: Autosomal recessive osteopetrosis 3. Identifiers: Orphanet 2785, MedGen C0345407, MONDO:0009818, OMIM 259730.

Allele frequency attached by ClinVar (database versions not stated): gnomAD exomes 0.00316; gnomAD 0.02613 and 0.02796; TOPMed 0.02956; 1000 Genomes Project 0.03115; 1000 Genomes Project 30x 0.03295.
gnomAD v4.1: 5,307 of 559,042 alleles (0.95%); highest among the groups gnomAD compares: African/African-American, 9%; 253 homozygotes.

Submissions (3):

GeneDx
Classification: Benign. Last evaluated: 2020-04-09. Review status: criteria provided, single submitter. Criteria: GeneDx Variant Classification Process June 2021. Collection method: clinical testing. Allele origin: germline. Affected: yes.

Illumina Laboratory Services, Illumina
Classification: Benign for Osteopetrosis with renal tubular acidosis. Last evaluated: 2018-01-13. Review status: criteria provided, single submitter. Criteria: ICSL Variant Classification Criteria 13 December 2019. Collection method: clinical testing. Allele origin: germline.
Comment: This variant was observed in the ICSL laboratory as part of a predisposition screen in an ostensibly healthy population. It had not been previously curated by ICSL or reported in the Human Gene Mutation Database (HGMD: prior to June 1st, 2018), and was therefore a candidate for classification through an automated scoring system. Utilizing variant allele frequency, disease prevalence and penetrance estimates, and inheritance mode, an automated score was calculated to assess if this variant is too frequent to cause the disease. Based on the score and internal cut-off values, a variant classified as benign is not then subjected to further curation. The score for this variant resulted in a classification of benign for this disease.

Breakthrough Genomics
Classification: Benign. Review status: criteria provided, single submitter. Criteria: ACMG Guidelines, 2015. Collection method: not provided. Allele origin: germline. Inheritance: Autosomal recessive inheritance. Affected: yes.

NM_000067.3(CA2):c.*212A>G

Gene: CA2 (carbonic anhydrase 2; plus strand). Cytogenetic location: 8q21.2.
Variant type: single nucleotide variant.
Coding change: c.*212A>G on transcript NM_000067.3 (MANE Select); 212 bases downstream of the stop codon, A replaced by G.
Molecular consequence: 3 prime UTR variant.
Genome position (GRCh38, 1-based): chr8:85,481,001, A>G. VCF-style: chr8-85481001-A-G. GRCh37 (hg19) VCF-style: chr8-86393230-A-G.
Other names: c.*212A>G (NM_001293675.2).
Identifiers: ClinVar variation 363838 (VCV000363838.8), dbSNP rs73263450, ClinGen allele CA10631658.